The following is an entry in ClinVar:

ClinVar aggregate classification (germline): Uncertain significance (1 of 4 stars; one submission).

Conditions:
Long QT syndrome (LQTS). Identifiers: MedGen C0023976, MeSH D008133, MONDO:0002442. Disease mechanism: loss of function. Inheritance: Various modes of inheritance.

gnomAD v4.1: 9 of 1,611,124 alleles (0.00056%); highest among the groups gnomAD compares: Non-Finnish European, 0.00068%; no homozygotes.

Submission:

Labcorp Genetics (formerly Invitae), Labcorp
Classification: Uncertain significance for Long QT syndrome. Last evaluated: 2024-03-13. Review status: criteria provided, single submitter. Criteria: Invitae Variant Classification Sherloc (09022015). Collection method: clinical testing. Allele origin: germline.
Comment: This sequence change replaces isoleucine, which is neutral and non-polar, with methionine, which is neutral and non-polar, at codon 240 of the AKAP9 protein (p.Ile240Met). This variant is not present in population databases (gnomAD no frequency). This variant has not been reported in the literature in individuals affected with AKAP9-related conditions. An algorithm developed to predict the effect of missense changes on protein structure and function (PolyPhen-2) suggests that this variant is likely to be disruptive. In summary, the available evidence is currently insufficient to determine the role of this variant in disease. Therefore, it has been classified as a Variant of Uncertain Significance.

NM_005751.5(AKAP9):c.720T>G (p.Ile240Met)

Gene: AKAP9 (A-kinase anchoring protein 9; plus strand). Cytogenetic location: 7q21.2.
Variant type: single nucleotide variant.
Coding change: c.720T>G on transcript NM_005751.5 (MANE Select); coding-DNA position 720, T replaced by G.
Protein change: p.Ile240Met; replaces isoleucine 240 with methionine.
Molecular consequence: missense variant.
Genome position (GRCh38, 1-based): chr7:91,994,764, T>G. VCF-style: chr7-91994764-T-G. GRCh37 (hg19) VCF-style: chr7-91624078-T-G.
Other names: c.720T>G, p.Ile240Met (NM_147185.3); short protein forms I240M.
Identifiers: ClinVar variation 3635296 (VCV003635296.2).